The following is an entry in ClinVar:

ClinVar aggregate classification (germline): Uncertain significance. Review status: criteria provided, multiple submitters, no conflicts (2 of 4 stars). 2 submissions from 2 submitters: Uncertain significance (2). Last evaluated 2023-04-11.

gnomAD v4.1: 2 of 1,614,076 alleles (0.00012%); highest among the groups gnomAD compares: Admixed American, 0.0017%; no homozygotes.

Submissions (2):

Blueprint Genetics
Classification: Uncertain significance. Last evaluated: 2023-04-11. Review status: criteria provided, single submitter. Criteria: ACMG Guidelines, 2015. Collection method: clinical testing. Allele origin: germline.

Labcorp Genetics (formerly Invitae), Labcorp
Classification: Uncertain significance. Last evaluated: 2022-06-04. Review status: criteria provided, single submitter. Criteria: Invitae Variant Classification Sherloc (09022015). Collection method: clinical testing. Allele origin: germline.
Comment: This sequence change replaces leucine, which is neutral and non-polar, with arginine, which is basic and polar, at codon 1145 of the ABCA4 protein (p.Leu1145Arg). This variant is not present in population databases (gnomAD no frequency). This variant has not been reported in the literature in individuals affected with ABCA4-related conditions. ClinVar contains an entry for this variant (Variation ID: 958219). Algorithms developed to predict the effect of missense changes on protein structure and function (SIFT, PolyPhen-2, Align-GVGD) all suggest that this variant is likely to be disruptive. In summary, the available evidence is currently insufficient to determine the role of this variant in disease. Therefore, it has been classified as a Variant of Uncertain Significance.

NM_000350.3(ABCA4):c.3434T>G (p.Leu1145Arg)

Gene: ABCA4 (ATP binding cassette subfamily A member 4; minus strand). Cytogenetic location: 1p22.1.
Variant type: single nucleotide variant.
Coding change: c.3434T>G on transcript NM_000350.3 (MANE Select); coding-DNA position 3434, T replaced by G.
Protein change: p.Leu1145Arg; replaces leucine 1145 with arginine.
Molecular consequence: missense variant.
Genome position (GRCh38, 1-based): chr1:94,041,297, A>C on the plus strand (T>G on the coding strand, the complement: ABCA4 is on the minus strand). VCF-style: chr1-94041297-A-C. GRCh37 (hg19) VCF-style: chr1-94506853-A-C.
Other names: c.3212T>G, p.Leu1071Arg (NM_001425324.1); short protein forms L1145R, L1071R.
Identifiers: ClinVar variation 958219 (VCV000958219.8), dbSNP rs1660479149, ClinGen allele CA341290837.
Genomic context (GRCh38, chr1:94,041,297, plus strand): 5'-TTTTTCATCTTGCGCACCAAGGTTAAGTACAAGCCTGTGCCAAAGCAGTTCTTCAGGAAG[A>C]GTGGGGTGCCTGAGCAGTAGAGCCTTCCCTGGGCAATGATGGCAATGCGGTCCCCAAGGA-3'
Protein context (NP_000341.2, residues 1135-1155): QGRLYCSGTP[Leu1145Arg]FLKNCFGTGL